The following is an entry in ClinVar:

ClinVar aggregate classification (germline): Uncertain significance (1 of 4 stars; one submission).

Conditions:
Hereditary cancer-predisposing syndrome. Also called: Neoplastic Syndromes, Hereditary; Tumor predisposition; Hereditary neoplastic syndrome; Hereditary Cancer Syndrome. Identifiers: Orphanet 140162, MedGen C0027672, MeSH D009386, MONDO:0015356.

Submission:

Ambry Genetics
Classification: Uncertain significance for Hereditary cancer-predisposing syndrome. Last evaluated: 2026-07-06. Review status: criteria provided, single submitter. Criteria: Ambry Variant Classification Scheme 2023. Collection method: clinical testing. Allele origin: germline.
Comment: The p.H1288Y variant (also known as c.3862C>T), located in coding exon 31 of the TSC2 gene, results from a C to T substitution at nucleotide position 3862. The histidine at codon 1288 is replaced by tyrosine, an amino acid with similar properties. This amino acid position is conserved. In addition, the in silico prediction for this alteration is inconclusive. Based on the available evidence, the clinical significance of this variant remains unclear.

NM_000548.5(TSC2):c.3862C>T (p.His1288Tyr)

Gene: TSC2 (TSC complex subunit 2; plus strand). Cytogenetic location: 16p13.3.
Variant type: single nucleotide variant.
Coding change: c.3862C>T on transcript NM_000548.5 (MANE Select); coding-DNA position 3862, C replaced by T.
Protein change: p.His1288Tyr; replaces histidine 1288 with tyrosine.
Molecular consequence: missense variant. On other transcripts: intron variant (33), non-coding transcript variant (1).
Genome position (GRCh38, 1-based): chr16:2,082,483, C>T. VCF-style: chr16-2082483-C-T. GRCh37 (hg19) VCF-style: chr16-2132484-C-T.
Other names: c.3130C>T, p.His1044Tyr (NM_001318831.2); c.3730C>T, p.His1244Tyr (NM_001370404.1, NM_001406665.1); c.3733C>T, p.His1245Tyr (NM_001370405.1, NM_021055.3); c.3859C>T, p.His1287Tyr (NM_001406663.1); c.3262C>T, p.His1088Tyr (NM_001406680.1); c.2080+685C>T (NM_001406698.1); c.3814+685C>T (NM_001114382.3); c.3811+685C>T (NM_001406664.1); and 25 more; short protein forms H1287Y, H796Y, H1244Y, H1088Y, H1245Y, H1288Y, H1044Y, H797Y.
Identifiers: ClinVar variation 5031338 (VCV005031338.1).